The following is an entry in ClinVar:

NM_001271.4(CHD2):c.207A>T (p.Glu69Asp)

Gene: CHD2 (chromodomain helicase DNA binding protein 2; plus strand). Cytogenetic location: 15q26.1.
Variant type: single nucleotide variant.
Coding change: c.207A>T on transcript NM_001271.4 (MANE Select); coding-DNA position 207, A replaced by T.
Protein change: p.Glu69Asp; replaces glutamic acid 69 with aspartic acid.
Molecular consequence: missense variant.
Genome position (GRCh38, 1-based): chr15:92,924,465, A>T. VCF-style: chr15-92924465-A-T. GRCh37 (hg19) VCF-style: chr15-93467695-A-T.
Other names: c.207A>T (NM_001271.3); c.207A>T, p.Glu69Asp (NM_001042572.3); short protein forms E69D.
Identifiers: ClinVar variation 2063897 (VCV002063897.5), dbSNP rs982063319, ClinGen allele CA393896316.

ClinVar aggregate classification (germline): Uncertain significance. Review status: criteria provided, multiple submitters, no conflicts (2 of 4 stars). 2 submissions from 2 submitters: Uncertain significance (2). Last evaluated 2023-01-22.

Conditions:
Developmental and epileptic encephalopathy 94 (DEE94). Also called: CHD2-Related Neurodevelopmental Disorders; Epileptic encephalopathy, childhood-onset. Identifiers: Orphanet 1942, Orphanet 2382, MedGen C3809278, MONDO:0014150, OMIM 615369.

Submissions (2):

GeneDx
Classification: Uncertain significance. Last evaluated: 2023-01-22. Review status: criteria provided, single submitter. Criteria: GeneDx Variant Classification Process June 2021. Collection method: clinical testing. Allele origin: germline. Affected: yes.
Comment: Not observed at significant frequency in large population cohorts (gnomAD); In silico analysis supports that this missense variant does not alter protein structure/function; Has not been previously published as pathogenic or benign to our knowledge

Labcorp Genetics (formerly Invitae), Labcorp
Classification: Uncertain significance for Developmental and epileptic encephalopathy 94. Last evaluated: 2022-08-16. Review status: criteria provided, single submitter. Criteria: Invitae Variant Classification Sherloc (09022015). Collection method: clinical testing. Allele origin: germline.
Comment: In summary, the available evidence is currently insufficient to determine the role of this variant in disease. Therefore, it has been classified as a Variant of Uncertain Significance. This sequence change replaces glutamic acid, which is acidic and polar, with aspartic acid, which is acidic and polar, at codon 69 of the CHD2 protein (p.Glu69Asp). This variant is not present in population databases (gnomAD no frequency). This variant has not been reported in the literature in individuals affected with CHD2-related conditions. Advanced modeling of protein sequence and biophysical properties (such as structural, functional, and spatial information, amino acid conservation, physicochemical variation, residue mobility, and thermodynamic stability) performed at Invitae indicates that this missense variant is not expected to disrupt CHD2 protein function.